The following is an entry in ClinVar:

ClinVar aggregate classification (germline): Likely benign (1 of 4 stars; one submission).

Conditions:
Familial cancer of breast. Also called: Hereditary breast cancer; BREAST CANCER, FAMILIAL; hereditary breast carcinoma. Identifiers: Orphanet 227535, MedGen C0346153, MONDO:0016419, OMIM 114480. Disease mechanism: loss of function.

Submission:

Myriad Genetics, Inc.
Classification: Likely benign for Familial cancer of breast. Last evaluated: 2024-10-04. Review status: criteria provided, single submitter. Criteria: Myriad Autosomal Dominant, Autosomal Recessive and X-Linked Classification Criteria (2023). Collection method: clinical testing. Allele origin: unknown.
Comment: This variant is considered likely benign. This variant is intronic and is not expected to impact mRNA splicing.

NM_007194.4(CHEK2):c.1009-20A>T

Gene: CHEK2 (checkpoint kinase 2; minus strand). Cytogenetic location: 22q12.1.
Variant type: single nucleotide variant.
Coding change: c.1009-20A>T on transcript NM_007194.4 (MANE Select); 20 bases into the intron before coding-DNA position 1009, A replaced by T.
Molecular consequence: intron variant.
Genome position (GRCh38, 1-based): chr22:28,697,007, T>A on the plus strand (A>T on the coding strand, the complement: CHEK2 is on the minus strand). VCF-style: chr22-28697007-T-A. GRCh37 (hg19) VCF-style: chr22-29092995-T-A.
Other names: c.346-20A>T (NM_001437942.1, NM_001257387.3); c.808-20A>T (NM_001349956.3); c.1009-1134A>T (NM_145862.3); c.1102-1134A>T (NM_001438295.1); c.1102-20A>T (NM_001438293.1); c.1138-1134A>T (NM_001438294.1); c.1138-20A>T (NM_001005735.3).
Identifiers: ClinVar variation 3772955 (VCV003772955.1).
Genomic context (GRCh38, chr22:28,697,007, plus strand): 5'-GGCTTTAAGTCACGGTGTATAATACCGTTTTCATGAAGGTACTACACAGAAAGGCAGGCA[T>A]GACCCTCAGATTCATGCAGTAGATACTTAAGTAGAATCAAAGTTACCAACACACACATCT-3'